The following is an entry in ClinVar:

ClinVar aggregate classification (germline): Uncertain significance (1 of 4 stars; one submission).

Conditions:
Progressive familial heart block type IB (PFHB1B). Identifiers: Orphanet 871, MedGen C1970298, MONDO:0011474, OMIM 604559.

gnomAD v4.1: 1 of 1,607,322 alleles (0.000062%); no homozygotes.

Submission:

Labcorp Genetics (formerly Invitae), Labcorp
Classification: Uncertain significance for Progressive familial heart block type IB. Last evaluated: 2025-10-27. Review status: criteria provided, single submitter. Criteria: Invitae Variant Classification Sherloc (09022015). Collection method: clinical testing. Allele origin: germline.
Comment: This sequence change falls in intron 9 of the TRPM4 gene. It does not directly change the encoded amino acid sequence of the TRPM4 protein. This variant is not present in population databases (gnomAD no frequency). This variant has not been reported in the literature in individuals affected with TRPM4-related conditions. ClinVar contains an entry for this variant (Variation ID: 2983693). Algorithms developed to predict the effect of sequence changes on RNA splicing suggest that this variant may disrupt the consensus splice site. In summary, the available evidence is currently insufficient to determine the role of this variant in disease. Therefore, it has been classified as a Variant of Uncertain Significance.

NM_017636.4(TRPM4):c.1151-10A>G

Gene: TRPM4 (transient receptor potential cation channel subfamily M member 4; plus strand). Cytogenetic location: 19q13.33.
Variant type: single nucleotide variant.
Coding change: c.1151-10A>G on transcript NM_017636.4 (MANE Select); 10 bases into the intron before coding-DNA position 1151, A replaced by G.
Molecular consequence: intron variant.
Genome position (GRCh38, 1-based): chr19:49,181,339, A>G. VCF-style: chr19-49181339-A-G. GRCh37 (hg19) VCF-style: chr19-49684596-A-G.
Other names: c.1151-10A>G (NM_001195227.2); c.-403-10A>G (NM_001321282.2); c.806-10A>G (NM_001321281.2); c.629-10A>G (NM_001321283.2); c.202-1239A>G (NM_001321285.2).
Identifiers: ClinVar variation 2983693 (VCV002983693.3), dbSNP rs2514103959, ClinGen allele CA2586337853.